The following is an entry in ClinVar:

NM_015295.3(SMCHD1):c.4267C>T (p.Arg1423Ter)

Gene: SMCHD1 (structural maintenance of chromosomes flexible hinge domain containing 1; plus strand). Cytogenetic location: 18p11.32.
Variant type: single nucleotide variant.
Coding change: c.4267C>T on transcript NM_015295.3 (MANE Select); coding-DNA position 4267, C replaced by T.
Protein change: p.Arg1423Ter; replaces arginine 1423 with a stop codon.
Molecular consequence: nonsense.
Genome position (GRCh38, 1-based): chr18:2,751,379, C>T. VCF-style: chr18-2751379-C-T. GRCh37 (hg19) VCF-style: chr18-2751377-C-T.
Other names: NP_056110.2:p.(Arg1423Ter); short protein forms R1423*.
Identifiers: ClinVar variation 1878838 (VCV001878838.4), dbSNP rs2510122804, ClinGen allele CA401692883.

ClinVar aggregate classification (germline): Pathogenic/Likely pathogenic. Review status: criteria provided, multiple submitters, no conflicts (2 of 4 stars). 3 submissions from 3 submitters: Pathogenic (1); Likely pathogenic (2). Last evaluated 2024-08-28.

Conditions:
Facioscapulohumeral muscular dystrophy 2 (FSHD2). Also called: FACIOSCAPULOHUMERAL MUSCULAR DYSTROPHY 2, DIGENIC; FSHD2, DIGENIC; MUSCULAR DYSTROPHY, FACIOSCAPULOHUMERAL, TYPE 1B. Identifiers: Orphanet 269, MedGen C1834671, MONDO:0008031, OMIM 158901.

Submissions (3):

Laboratory of Functional Genomics, Research Centre for Medical Genetics
Classification: Likely pathogenic for Facioscapulohumeral muscular dystrophy 2. Last evaluated: 2024-08-28. Review status: criteria provided, single submitter. Criteria: ACMG Guidelines, 2015. Collection method: clinical testing. Allele origin: inherited, germline. Inheritance: Autosomal dominant inheritance. Affected: yes. Observed: 2 variant alleles, 2 heterozygotes.
Comment: This variant, NM_015295.3.4267C>T (p.Arg1423Ter), is a nonsense variant in the SMCHD1 gene and is absent from population databases. The presence of the variant in two affected family members, together with its predicted truncating effect on SMCHD1 and absence from population databases, provides evidence supporting its classification as likely pathogenic.

Revvity Omics, Revvity
Classification: Pathogenic. Last evaluated: 2023-04-18. Review status: criteria provided, single submitter. Criteria: ACMG Guidelines, 2015. Collection method: clinical testing. Allele origin: germline.

GeneDx
Classification: Likely pathogenic. Last evaluated: 2022-07-11. Review status: criteria provided, single submitter. Criteria: GeneDx Variant Classification Process June 2021. Collection method: clinical testing. Allele origin: germline. Affected: yes.
Comment: Nonsense variant predicted to result in protein truncation or nonsense mediated decay in a gene for which loss of function is a known mechanism of disease; Not observed at significant frequency in large population cohorts (gnomAD); This variant is associated with the following publications: (PMID: 27061275)